The following is an entry in ClinVar:

NM_001010892.3(RSPH4A):c.921+3_921+6del

Gene: RSPH4A (radial spoke head component 4A; plus strand). Cytogenetic location: 6q22.1.
Variant type: Deletion.
Coding change: c.921+3_921+6del on transcript NM_001010892.3 (MANE Select); bases 3 to 6 of the intron after coding-DNA position 921, 4 bases deleted (AAGT; older notation c.921+3_921+6delAAGT).
Molecular consequence: splice donor variant.
Genome position (GRCh38, 1-based): chr6:116,623,005-116,623,008, AAGT deleted; deleting any 4 consecutive bases within chr6:116,623,002-116,623,008 gives the same sequence; the c. name uses the placement nearest the transcript's 3' end. VCF-style (leftmost placement, unchanged base first): chr6-116623001-TAGTA-T. GRCh37 (hg19) VCF-style: chr6-116944164-TAGTA-T.
Other names: c.921+3_921+6del (NM_001010892.2, NM_001161664.2).
Identifiers: ClinVar variation 88863 (VCV000088863.36), dbSNP rs869320683, ClinGen allele CA358497.
Genomic context (GRCh38, chr6:116,623,001, plus strand): 5'-AAAAGGCTCTTTTTCTCCAGGGACATTTGGAAGGAGTTGACCAAGAATTGGAAGATGAAA[TAGTA>T]AGTCACTACTACAAATTTTAATAATAAACCTTAGGATTTTATTTGGGACGAATGGCTGTG-3'

ClinVar aggregate classification (germline): Pathogenic. Review status: criteria provided, multiple submitters, no conflicts (2 of 4 stars). 11 submissions from 11 submitters: Pathogenic (8). 3 of the submissions do not count toward it. Last evaluated 2026-01-21.

Conditions:
RSPH4A-related disorder. Also called: RSPH4A-related condition.
Primary ciliary dyskinesia. Also called: Ciliary dyskinesia. Identifiers: Orphanet 244, MedGen C0008780, MONDO:0016575, HP:0012265.
Kartagener syndrome (CILD1). Also called: CILIARY DYSKINESIA, PRIMARY, 1, WITH OR WITHOUT SITUS INVERSUS; Dextrocardia bronchiectasis and sinusitis; CILIARY DYSKINESIA, PRIMARY, 1; IMMOTILE CILIA SYNDROME; POLYNESIAN BRONCHIECTASIS; SIEWERT SYNDROME. Identifiers: Orphanet 244, MedGen C4551906, MONDO:0009484, OMIM 244400.
Primary ciliary dyskinesia 11. Also called: CILIARY DYSKINESIA, PRIMARY, 11, WITHOUT SITUS INVERSUS. Identifiers: Orphanet 244, MedGen C2675229, MONDO:0012978, OMIM 612649.

Submissions (11):

Labcorp Genetics (formerly Invitae), Labcorp
Classification: Pathogenic for Primary ciliary dyskinesia. Last evaluated: 2026-01-21. Review status: criteria provided, single submitter. Criteria: Invitae Variant Classification Sherloc (09022015). Collection method: clinical testing. Allele origin: germline.
Comment: This sequence change falls in intron 2 of the RSPH4A gene. It does not directly change the encoded amino acid sequence of the RSPH4A protein. RNA analysis indicates that this variant induces altered splicing and may result in an absent or altered protein product. This variant is present in population databases (rs547686445, gnomAD 0.02%). This variant has been observed in individual(s) with primary ciliary dyskinesia (PMID: 23798057). In at least one individual the data is consistent with being in trans (on the opposite chromosome) from a pathogenic variant. It has also been observed to segregate with disease in related individuals. ClinVar contains an entry for this variant (Variation ID: 88863). Variants that disrupt the consensus splice site are a relatively common cause of aberrant splicing (PMID: 17576681, 9536098). Studies have shown that this variant results in exon 2 skipping, and produces a non-functional protein and/or introduces a premature termination codon (PMID: 23798057). For these reasons, this variant has been classified as Pathogenic.

GeneDx
Classification: Pathogenic. Last evaluated: 2024-12-19. Review status: criteria provided, single submitter. Criteria: GeneDx Variant Classification Process June 2021. Collection method: clinical testing. Allele origin: germline. Affected: yes.
Comment: Intronic variant directly or indirectly altering the +5 splice site in a gene for which loss of function is a known mechanism of disease, and splice predictors support a deleterious effect; This variant is associated with the following publications: (PMID: 34513534, 31589614, 35753512, 33670432, 36768259, 23798057)

Ambry Genetics
Classification: Pathogenic for Primary ciliary dyskinesia. Last evaluated: 2024-01-12. Review status: criteria provided, single submitter. Criteria: Ambry Variant Classification Scheme 2023. Collection method: clinical testing. Allele origin: germline.
Comment: The c.921+3_921+6delAAGT intronic pathogenic mutation, located in intron 2 of the RSPH4A gene, results from a deletion of 4 nucleotides within intron 2 of the RSPH4A gene. This mutation was first identified in the homozygous state in 8 individuals from 6 unrelated families with primary ciliary dyskinesia, without situs abnormalities; in vitro functional studies found this intronic mutation results in an out of frame deletion of exon 2 and a premature stop codon (p.Y230Qfs*8) (Daniels ML et al. Hum. Mutat., 2013 Oct;34:1352-6). Based on the supporting evidence, this alteration is interpreted as a disease-causing mutation.

Mayo Clinic Laboratories, Mayo Clinic
Classification: Pathogenic. Last evaluated: 2023-07-18. Review status: criteria provided, single submitter. Criteria: ACMG Guidelines, 2015. Collection method: clinical testing. Allele origin: germline.
Comment: PP1, PS4_moderate, PVS1

Fulgent Genetics
Classification: Pathogenic for Primary ciliary dyskinesia 11. Last evaluated: 2022-04-12. Review status: criteria provided, single submitter. Criteria: ACMG Guidelines, 2015. Collection method: clinical testing. Allele origin: unknown.

CENTOGENE GmbH and LLC - Guiding Precision Medicine
Classification: Pathogenic for Primary ciliary dyskinesia 11. Last evaluated: 2021-01-04. Review status: criteria provided, single submitter. Criteria: ACMG Guidelines, 2015. Collection method: clinical testing. Allele origin: germline. Affected: yes.

UNC Molecular Genetics  Laboratory, University of North Carolina at Chapel Hill
Classification: Pathogenic for Primary ciliary dyskinesia. Last evaluated: 2018-04-26. Review status: criteria provided, single submitter. Criteria: ACMG Guidelines, 2015. Collection method: clinical testing. Allele origin: germline. Affected: yes. Observed: 1 compound heterozygote.

Eurofins Ntd Llc (ga)
Classification: Pathogenic. Last evaluated: 2015-07-22. Review status: criteria provided, single submitter. Criteria: EGL Classification Definitions 2015. Collection method: clinical testing. Allele origin: germline. Observed: 4 variant alleles, 2 heterozygotes, 2 homozygotes.

PreventionGenetics, part of Exact Sciences
Classification: Pathogenic for RSPH4A-related condition. Last evaluated: 2024-08-24. Review status: no assertion criteria provided. Collection method: clinical testing. Allele origin: germline. Not counted in ClinVar's aggregate classification.
Comment: The RSPH4A c.921+3_921+6delAAGT variant is predicted to result in an intronic deletion. This variant has been reported in the homozygous and compound heterozygous state in 9 individuals with primary ciliary dyskinesia from 7 unrelated families with Puerto Rican ancestry (Daniels et al. 2013. PubMed ID: 23798057). Function analysis of this variant showed an out-of-frame deletion of exon 2 leading to a premature protein termination (p.Tyr230Glnfs*8) (Daniels et al. 2013. PubMed ID: 23798057). In summary, this variant is interpreted as pathogenic.

GeneReviews
Classification: Pathogenic for Kartagener syndrome. Last evaluated: 2015-09-03. Review status: no assertion criteria provided. Collection method: literature only. Allele origin: germline. Affected: yes. Not counted in ClinVar's aggregate classification.

OMIM
Classification: Pathogenic for CILIARY DYSKINESIA, PRIMARY, 11, WITHOUT SITUS INVERSUS. Last evaluated: 2013-10-01. Review status: no assertion criteria provided. Collection method: literature only. Allele origin: germline. Not counted in ClinVar's aggregate classification.

Literature cited by the submitters: PubMed 23798057 (cited by 7 submitters); PubMed 17576681 (cited by Labcorp Genetics (formerly Invitae), Labcorp); PubMed 9536098 (cited by Labcorp Genetics (formerly Invitae), Labcorp); PubMed 31589614 (cited by Mayo Clinic Laboratories, Mayo Clinic); PubMed 33670432 (cited by Mayo Clinic Laboratories, Mayo Clinic); PubMed 34513534 (cited by Mayo Clinic Laboratories, Mayo Clinic and OMIM); PubMed 35753512 (cited by Mayo Clinic Laboratories, Mayo Clinic).